The following is an entry in ClinVar:

NM_014264.5(PLK4):c.287A>G (p.Glu96Gly)

Gene: PLK4 (polo like kinase 4; plus strand). Cytogenetic location: 4q28.1.
Variant type: single nucleotide variant.
Coding change: c.287A>G on transcript NM_014264.5 (MANE Select); coding-DNA position 287, A replaced by G.
Protein change: p.Glu96Gly; replaces glutamic acid 96 with glycine.
Molecular consequence: missense variant.
Genome position (GRCh38, 1-based): chr4:127,883,503, A>G. VCF-style: chr4-127883503-A-G. GRCh37 (hg19) VCF-style: chr4-128804658-A-G.
Other names: c.191A>G, p.Glu64Gly (NM_001190799.2); c.164A>G, p.Glu55Gly (NM_001190801.2); short protein forms E55G, E64G, E96G.
Identifiers: ClinVar variation 2422125 (VCV002422125.5), dbSNP rs751437654, ClinGen allele CA105687448.

ClinVar aggregate classification (germline): Uncertain significance (1 of 4 stars; one submission).

Submission:

Labcorp Genetics (formerly Invitae), Labcorp
Classification: Uncertain significance. Last evaluated: 2024-11-11. Review status: criteria provided, single submitter. Criteria: Invitae Variant Classification Sherloc (09022015). Collection method: clinical testing. Allele origin: germline.
Comment: This sequence change replaces glutamic acid, which is acidic and polar, with glycine, which is neutral and non-polar, at codon 96 of the PLK4 protein (p.Glu96Gly). This variant is not present in population databases (gnomAD no frequency). This variant has not been reported in the literature in individuals affected with PLK4-related conditions. ClinVar contains an entry for this variant (Variation ID: 2422125). An algorithm developed to predict the effect of missense changes on protein structure and function (PolyPhen-2) suggests that this variant is likely to be disruptive. In summary, the available evidence is currently insufficient to determine the role of this variant in disease. Therefore, it has been classified as a Variant of Uncertain Significance.